The following is an entry in ClinVar:

NM_006514.4(SCN10A):c.527G>A (p.Gly176Glu)

Gene: SCN10A (sodium voltage-gated channel alpha subunit 10; minus strand). Cytogenetic location: 3p22.2.
Variant type: single nucleotide variant.
Coding change: c.527G>A on transcript NM_006514.4 (MANE Select); coding-DNA position 527, G replaced by A.
Protein change: p.Gly176Glu; replaces glycine 176 with glutamic acid.
Molecular consequence: missense variant.
Genome position (GRCh38, 1-based): chr3:38,771,351, C>T on the plus strand (G>A on the coding strand, the complement: SCN10A is on the minus strand). VCF-style: chr3-38771351-C-T. GRCh37 (hg19) VCF-style: chr3-38812842-C-T.
Other names: c.527G>A, p.Gly176Glu (NM_001293306.2, NM_001293307.2); short protein forms G176E.
Identifiers: ClinVar variation 1746549 (VCV001746549.2), dbSNP rs776247771, ClinGen allele CA2321175.
Genomic context (GRCh38, chr3:38,771,351, plus strand): 5'-ACGCTAAAATCCAGCCAGTTCCAAGGATCTCTCAGGTACGTGAACTCATTTAGACAAAAT[C>T]CTCTTGCCAGTATCTTTATCAAGGCTTCAAAGGTGTAAATGACAGTGAAGACATATCTGG-3'
Protein context (NP_006505.4, residues 166-186): FEALIKILAR[Gly176Glu]FCLNEFTYLR

ClinVar aggregate classification (germline): Uncertain significance (1 of 4 stars; one submission).

Conditions:
Cardiovascular phenotype. Identifiers: MedGen CN230736.

Allele frequency attached by ClinVar (database versions not stated): ExAC 0.00002.

Submission:

Ambry Genetics
Classification: Uncertain significance for Cardiovascular phenotype. Last evaluated: 2022-02-02. Review status: criteria provided, single submitter. Criteria: Ambry Variant Classification Scheme 2023. Collection method: clinical testing. Allele origin: germline.
Comment: The p.G176E variant (also known as c.527G>A), located in coding exon 4 of the SCN10A gene, results from a G to A substitution at nucleotide position 527. The glycine at codon 176 is replaced by glutamic acid, an amino acid with similar properties. This amino acid position is conserved. In addition, this alteration is predicted to be deleterious by in silico analysis. Since supporting evidence is limited at this time, the clinical significance of this alteration remains unclear.